The following is an entry in ClinVar:

ClinVar aggregate classification (germline): Uncertain significance. Review status: criteria provided, multiple submitters, no conflicts (2 of 4 stars). 4 submissions from 4 submitters: Uncertain significance (3). 1 of the submissions does not count toward it. Last evaluated 2025-09-10.

Conditions:
Inborn genetic diseases. Identifiers: MedGen C0950123, MeSH D030342.
Usher syndrome type 1 (USH1). Also called: RETINITIS PIGMENTOSA AND CONGENITAL DEAFNESS. Identifiers: Orphanet 231169, Orphanet 886, MedGen C1568247, MONDO:0010168, OMIM 276900.

Allele frequency attached by ClinVar (database versions not stated): gnomAD exomes 0.00001 and 0.00002; gnomAD 0.00011 and 0.00009; TOPMed 0.00015; ExAC 0.00003.
gnomAD v4.1: 25 of 1,609,876 alleles (0.0016%); highest among the groups gnomAD compares: African/African-American, 0.032%; no homozygotes.

Submissions (4):

Ambry Genetics
Classification: Uncertain significance for Inborn genetic diseases. Last evaluated: 2025-09-10. Review status: criteria provided, single submitter. Criteria: Ambry Variant Classification Scheme 2023. Collection method: clinical testing. Allele origin: germline.

GeneDx
Classification: Uncertain significance. Last evaluated: 2024-01-17. Review status: criteria provided, single submitter. Criteria: GeneDx Variant Classification Process June 2021. Collection method: clinical testing. Allele origin: germline.
Comment: In silico analysis supports that this missense variant does not alter protein structure/function; Has not been previously published as pathogenic or benign to our knowledge

Labcorp Genetics (formerly Invitae), Labcorp
Classification: Uncertain significance. Last evaluated: 2022-09-06. Review status: criteria provided, single submitter. Criteria: Invitae Variant Classification Sherloc (09022015). Collection method: clinical testing. Allele origin: germline.
Comment: This sequence change replaces threonine, which is neutral and polar, with alanine, which is neutral and non-polar, at codon 280 of the CDH23 protein (p.Thr280Ala). This variant is present in population databases (rs777244853, gnomAD 0.03%). This variant has not been reported in the literature in individuals affected with CDH23-related conditions. ClinVar contains an entry for this variant (Variation ID: 970989). Algorithms developed to predict the effect of missense changes on protein structure and function are either unavailable or do not agree on the potential impact of this missense change (SIFT: "Deleterious"; PolyPhen-2: "Not Available"; Align-GVGD: "Class C55"). In summary, the available evidence is currently insufficient to determine the role of this variant in disease. Therefore, it has been classified as a Variant of Uncertain Significance.

Natera, Inc.
Classification: Uncertain significance for Usher syndrome type 1. Last evaluated: 2020-02-26. Review status: no assertion criteria provided. Collection method: clinical testing. Allele origin: germline. Not counted in ClinVar's aggregate classification.

NM_022124.6(CDH23):c.838A>G (p.Thr280Ala)

Gene: CDH23 (cadherin related 23; plus strand). Cytogenetic location: 10q22.1.
Variant type: single nucleotide variant.
Coding change: c.838A>G on transcript NM_022124.6 (MANE Select); coding-DNA position 838, A replaced by G.
Protein change: p.Thr280Ala; replaces threonine 280 with alanine.
Molecular consequence: missense variant.
Genome position (GRCh38, 1-based): chr10:71,615,509, A>G. VCF-style: chr10-71615509-A-G. GRCh37 (hg19) VCF-style: chr10-73375266-A-G.
Other names: c.838A>G, p.Thr280Ala (NM_001171930.2, NM_001171931.2, NM_001171932.2 and 1 more transcripts); short protein forms T280A.
Identifiers: ClinVar variation 970989 (VCV000970989.10), dbSNP rs777244853, ClinGen allele CA5543577.